The following is an entry in ClinVar:

ClinVar aggregate classification (germline): Uncertain significance. Review status: criteria provided, multiple submitters, no conflicts (2 of 4 stars). 2 submissions from 2 submitters: Uncertain significance (2). Last evaluated 2025-03-03.

Conditions:
Deficiency of UDPglucose-hexose-1-phosphate uridylyltransferase. Also called: GALT deficiency; Galactosemia, classic; GALACTOSEMIA I; GALACTOSE-1-PHOSPHATE URIDYLYLTRANSFERASE DEFICIENCY; Transferase Deficiency Galactosemia. Identifiers: Orphanet 352, Orphanet 79239, MedGen C0268151, MONDO:0009258, OMIM 230400.

Allele frequency attached by ClinVar (database versions not stated): gnomAD exomes 0.00001 and 0.00002; TOPMed 0.00001.

Submissions (2):

Labcorp Genetics (formerly Invitae), Labcorp
Classification: Uncertain significance for Deficiency of UDPglucose-hexose-1-phosphate uridylyltransferase. Last evaluated: 2025-03-03. Review status: criteria provided, single submitter. Criteria: Invitae Variant Classification Sherloc (09022015). Collection method: clinical testing. Allele origin: germline.
Comment: This sequence change replaces alanine, which is neutral and non-polar, with valine, which is neutral and non-polar, at codon 78 of the GALT protein (p.Ala78Val). This variant is present in population databases (no rsID available, gnomAD 0.01%). This variant has not been reported in the literature in individuals affected with GALT-related conditions. ClinVar contains an entry for this variant (Variation ID: 1331081). Invitae Evidence Modeling of protein sequence and biophysical properties (such as structural, functional, and spatial information, amino acid conservation, physicochemical variation, residue mobility, and thermodynamic stability) indicates that this missense variant is expected to disrupt GALT protein function with a positive predictive value of 95%. In summary, the available evidence is currently insufficient to determine the role of this variant in disease. Therefore, it has been classified as a Variant of Uncertain Significance.

ARUP Laboratories, Molecular Genetics and Genomics, ARUP Laboratories
Classification: Uncertain significance for Deficiency of UDPglucose-hexose-1-phosphate uridylyltransferase. Last evaluated: 2020-10-24. Review status: criteria provided, single submitter. Criteria: ARUP Molecular Germline Variant Investigation Process 2021. Collection method: clinical testing. Allele origin: germline.
Comment: The GALT c.233C>T; p.Ala78Val variant (rs981018740), to our knowledge, is not reported in the medical literature or gene specific databases. This variant is only observed on six alleles in the Genome Aggregation Database, indicating it is not a common polymorphism. The alanine at codon 78 is moderately conserved, and computational analyses are uncertain whether this variant is neutral or deleterious (REVEL: 0.572). Due to limited information, the clinical significance of the p.Ala78Val variant is uncertain at this time.

NM_000155.4(GALT):c.233C>T (p.Ala78Val)

Genes: GALT (galactose-1-phosphate uridylyltransferase; plus strand), LOC130001683 (ATAC-STARR-seq lymphoblastoid active region 28314; plus strand). Cytogenetic location: 9p13.3.
Variant type: single nucleotide variant.
Coding change: c.233C>T on transcript NM_000155.4 (MANE Select); coding-DNA position 233, C replaced by T.
Protein change: p.Ala78Val; replaces alanine 78 with valine.
Molecular consequence: missense variant.
Genome position (GRCh38, 1-based): chr9:34,647,239, C>T. VCF-style: chr9-34647239-C-T. GRCh37 (hg19) VCF-style: chr9-34647236-C-T.
Other names: c.31C>T, p.Pro11Ser (NM_001258332.2); short protein forms A78V, P11S.
Identifiers: ClinVar variation 1331081 (VCV001331081.9), dbSNP rs981018740, ClinGen allele CA192669306.
Genomic context (GRCh38, chr9:34,647,239, plus strand): 5'-AGCCCCAGCTTCTGAAGACAGTGCCCCGCCATGACCCTCTCAACCCTCTGTGTCCTGGGG[C>T]CATCCGAGCCAACGGAGAGGTAAGCCTGTAGAGCCCTGCATCTGCAGGCTGGGCCACGGG-3'
Protein context (NP_000146.2, residues 68-88): HDPLNPLCPG[Ala78Val]IRANGEVNPQ